The following is an entry in ClinVar:

NM_025137.4(SPG11):c.2317G>C (p.Val773Leu)

Gene: SPG11 (SPG11 vesicle trafficking associated, spatacsin; minus strand). Cytogenetic location: 15q21.1.
Variant type: single nucleotide variant.
Coding change: c.2317G>C on transcript NM_025137.4 (MANE Select); coding-DNA position 2317, G replaced by C.
Protein change: p.Val773Leu; replaces valine 773 with leucine.
Molecular consequence: missense variant.
Genome position (GRCh38, 1-based): chr15:44,622,347, C>G on the plus strand (G>C on the coding strand, the complement: SPG11 is on the minus strand). VCF-style: chr15-44622347-C-G. GRCh37 (hg19) VCF-style: chr15-44914545-C-G.
Other names: c.2317G>C, p.Val773Leu (NM_001160227.2); short protein forms V773L.
Identifiers: ClinVar variation 577601 (VCV000577601.8), dbSNP rs766696581, ClinGen allele CA392232109.

ClinVar aggregate classification (germline): Uncertain significance (1 of 4 stars; one submission).

Conditions:
Hereditary spastic paraplegia 11. Also called: Nakamura Osame syndrome; Autosomal recessive hereditary spastic paraplegia, mental impairment, and thin corpus callosum; SPASTIC PARAPLEGIA, AUTOSOMAL RECESSIVE, COMPLICATED, WITH THIN CORPUS CALLOSUM; SPASTIC PARAPLEGIA, AUTOSOMAL RECESSIVE, WITH MENTAL IMPAIRMENT AND THIN CORPUS CALLOSUM; Spastic paraplegia, mental retardation and thin corpus callosum; Spastic Paraplegia 11. Identifiers: Orphanet 2822, MedGen C1858479, MONDO:0011445, OMIM 604360.

gnomAD v4.1: 2 of 1,546,342 alleles (0.00013%); highest among the groups gnomAD compares: Non-Finnish European, 0.00018%; no homozygotes.

Submission:

Labcorp Genetics (formerly Invitae), Labcorp
Classification: Uncertain significance for Hereditary spastic paraplegia 11. Last evaluated: 2018-05-15. Review status: criteria provided, single submitter. Criteria: Invitae Variant Classification Sherloc (09022015). Collection method: clinical testing. Allele origin: germline.
Comment: In summary, the available evidence is currently insufficient to determine the role of this variant in disease. Therefore, it has been classified as a Variant of Uncertain Significance. Algorithms developed to predict the effect of sequence changes on RNA splicing suggest that this variant may disrupt the consensus splice site, but this prediction has not been confirmed by published transcriptional studies. Algorithms developed to predict the effect of missense changes on protein structure and function are either unavailable or do not agree on the potential impact of this missense change (SIFT: "Tolerated"; PolyPhen-2: "Possibly Damaging"; Align-GVGD: "Class C0"). This variant has not been reported in the literature in individuals with SPG11-related disease. This variant is not present in population databases (ExAC no frequency). This sequence change replaces valine with leucine at codon 773 of the SPG11 protein (p.Val773Leu). The valine residue is highly conserved and there is a small physicochemical difference between valine and leucine.